The following is an entry in ClinVar:

NM_002491.3(NDUFB3):c.163G>C (p.Gly55Arg)

Gene: NDUFB3 (NADH:ubiquinone oxidoreductase subunit B3; plus strand). Cytogenetic location: 2q33.1.
Variant type: single nucleotide variant.
Coding change: c.163G>C on transcript NM_002491.3 (MANE Select); coding-DNA position 163, G replaced by C.
Protein change: p.Gly55Arg; replaces glycine 55 with arginine.
Molecular consequence: missense variant.
Genome position (GRCh38, 1-based): chr2:201,085,481, G>C. VCF-style: chr2-201085481-G-C. GRCh37 (hg19) VCF-style: chr2-201950204-G-C.
Other names: c.163G>C, p.Gly55Arg (NM_001257102.2); short protein forms G55R.
Identifiers: ClinVar variation 452411 (VCV000452411.3), dbSNP rs368909621, ClinGen allele CA350269930.

ClinVar aggregate classification (germline): Uncertain significance (1 of 4 stars; one submission).

gnomAD v4.1: 2 of 1,606,692 alleles (0.00012%); highest among the groups gnomAD compares: Non-Finnish European, 0.00017%; no homozygotes.

Submission:

GeneDx
Classification: Uncertain significance. Last evaluated: 2019-09-28. Review status: criteria provided, single submitter. Criteria: GeneDx Variant Classification Process June 2021. Collection method: clinical testing. Allele origin: germline. Affected: yes.
Comment: Not observed at a significant frequency in large population cohorts (Lek et al., 2016); In silico analysis, which includes protein predictors and evolutionary conservation, supports a deleterious effect; Has not been previously published as pathogenic or benign to our knowledge